The following is an entry in ClinVar:

ClinVar aggregate classification (germline): Uncertain significance (1 of 4 stars; one submission).

Conditions:
Hermansky-Pudlak syndrome 2 (HPS2). Also called: Platelet defects and oculocutaneous albinism. Identifiers: Orphanet 183678, Orphanet 79430, MedGen C1842362, MONDO:0011997, OMIM 608233.

Submission:

Labcorp Genetics (formerly Invitae), Labcorp
Classification: Uncertain significance for Hermansky-Pudlak syndrome 2. Last evaluated: 2025-07-14. Review status: criteria provided, single submitter. Criteria: Invitae Variant Classification Sherloc (09022015). Collection method: clinical testing. Allele origin: germline.
Comment: This sequence change replaces serine, which is neutral and polar, with isoleucine, which is neutral and non-polar, at codon 689 of the AP3B1 protein (p.Ser689Ile). This variant is not present in population databases (gnomAD no frequency). This variant has not been reported in the literature in individuals affected with AP3B1-related conditions. ClinVar contains an entry for this variant (Variation ID: 2135044). An algorithm developed to predict the effect of missense changes on protein structure and function (PolyPhen-2) suggests that this variant is likely to be tolerated. In summary, the available evidence is currently insufficient to determine the role of this variant in disease. Therefore, it has been classified as a Variant of Uncertain Significance.

NM_003664.5(AP3B1):c.2066G>T (p.Ser689Ile)

Gene: AP3B1 (adaptor related protein complex 3 subunit beta 1; minus strand). Cytogenetic location: 5q14.1.
Variant type: single nucleotide variant.
Coding change: c.2066G>T on transcript NM_003664.5 (MANE Select); coding-DNA position 2066, G replaced by T.
Protein change: p.Ser689Ile; replaces serine 689 with isoleucine.
Molecular consequence: missense variant.
Genome position (GRCh38, 1-based): chr5:78,116,137, C>A on the plus strand (G>T on the coding strand, the complement: AP3B1 is on the minus strand). VCF-style: chr5-78116137-C-A. GRCh37 (hg19) VCF-style: chr5-77411961-C-A.
Other names: c.1919G>T, p.Ser640Ile (NM_001271769.2); c.2066G>T, p.Ser689Ile (NM_001410752.1); short protein forms S640I, S689I.
Identifiers: ClinVar variation 2135044 (VCV002135044.4), dbSNP rs2530967468, ClinGen allele CA360185013.